The following is an entry in ClinVar:

ClinVar aggregate classification (germline): Benign (1 of 4 stars; one submission).

Allele frequency attached by ClinVar (database versions not stated): gnomAD 0.06452 and 0.07229; TOPMed 0.06717; 1000 Genomes Project 30x 0.13226; 1000 Genomes Project 0.13918.
gnomAD v4.1: 10,961 of 152,168 alleles (7.2%); highest among the groups gnomAD compares: East Asian, 40%; 796 homozygotes.

Submission:

GeneDx
Classification: Benign. Last evaluated: 2018-06-14. Review status: criteria provided, single submitter. Criteria: GeneDx Variant Classification (06012015). Collection method: clinical testing. Allele origin: germline. Affected: yes.
Comment: This variant is considered likely benign or benign based on one or more of the following criteria: it is a conservative change, it occurs at a poorly conserved position in the protein, it is predicted to be benign by multiple in silico algorithms, and/or has population frequency not consistent with disease.

NM_020745.4(AARS2):c.1301-179G>T

Gene: AARS2 (alanyl-tRNA synthetase 2, mitochondrial; minus strand). Cytogenetic location: 6p21.1.
Variant type: single nucleotide variant.
Coding change: c.1301-179G>T on transcript NM_020745.4 (MANE Select); 179 bases into the intron before coding-DNA position 1301, G replaced by T.
Molecular consequence: intron variant.
Genome position (GRCh38, 1-based): chr6:44,305,965, C>A on the plus strand (G>T on the coding strand, the complement: AARS2 is on the minus strand). VCF-style: chr6-44305965-C-A. GRCh37 (hg19) VCF-style: chr6-44273702-C-A.
Identifiers: ClinVar variation 672773 (VCV000672773.1), dbSNP rs9395001, ClinGen allele CA12295310.